The following is an entry in ClinVar:

ClinVar aggregate classification (germline): Likely benign. Review status: criteria provided, multiple submitters, no conflicts (2 of 4 stars). 3 submissions from 3 submitters: Likely benign (2). 1 of the submissions does not count toward it. Last evaluated 2025-10-20.

Conditions:
TTC21B-related disorder. Also called: TTC21B-related disorders; TTC21B-related condition.
Nephronophthisis. Also called: Juvenile Nephronophthisis. Identifiers: Orphanet 655, MedGen C0687120, MONDO:0019005, HP:0000090.
Jeune thoracic dystrophy. Also called: Jeune syndrome; Infantile thoracic dystrophy; Thoracic pelvic phalangeal dystrophy; Jeune's syndrome; Chondroectodermal dysplasia-like syndrome; Short-rib thoracic dysplasia. Identifiers: Orphanet 474, MedGen C0265275, MONDO:0018770.

Allele frequency attached by ClinVar (database versions not stated): gnomAD exomes 0.00003 and 0.00004; ExAC 0.00004; TOPMed 0.00004; gnomAD 0.00005 and 0.00006; ESP Exome Variant Server 0.00015.
gnomAD v4.1: 52 of 1,613,986 alleles (0.0032%); highest among the groups gnomAD compares: Middle Eastern, 0.033%; no homozygotes.

Submissions (3):

Labcorp Genetics (formerly Invitae), Labcorp
Classification: Likely benign for Jeune thoracic dystrophy; Nephronophthisis. Last evaluated: 2025-10-20. Review status: criteria provided, single submitter. Criteria: Invitae Variant Classification Sherloc (09022015). Collection method: clinical testing. Allele origin: germline.

Blueprint Genetics
Classification: Likely benign. Last evaluated: 2024-09-18. Review status: criteria provided, single submitter. Criteria: ACMG Guidelines, 2015. Collection method: clinical testing. Allele origin: germline.

PreventionGenetics, part of Exact Sciences
Classification: Likely benign for TTC21B-related condition. Last evaluated: 2024-08-29. Review status: no assertion criteria provided. Collection method: clinical testing. Allele origin: germline. Not counted in ClinVar's aggregate classification.
Comment: This variant is classified as likely benign based on ACMG/AMP sequence variant interpretation guidelines (Richards et al. 2015 PMID: 25741868, with internal and published modifications).

NM_024753.5(TTC21B):c.2007T>C (p.Asp669=)

Gene: TTC21B (tetratricopeptide repeat domain 21B; minus strand). Cytogenetic location: 2q24.3.
Variant type: single nucleotide variant.
Coding change: c.2007T>C on transcript NM_024753.5 (MANE Select); coding-DNA position 2007, T replaced by C.
Protein change: p.Asp669=; no amino-acid change (aspartic acid 669 retained).
Molecular consequence: synonymous variant.
Genome position (GRCh38, 1-based): chr2:165,915,332, A>G on the plus strand (T>C on the coding strand, the complement: TTC21B is on the minus strand). VCF-style: chr2-165915332-A-G. GRCh37 (hg19) VCF-style: chr2-166771842-A-G.
Other names: c.2007T>C (NM_024753.4).
Identifiers: ClinVar variation 1622185 (VCV001622185.10), dbSNP rs138449110, ClinGen allele CA1941959.
Genomic context (GRCh38, chr2:165,915,332, plus strand): 5'-CTCTATAAAATAAGGCTGTTCGGCTGTAACATTCTGAAGGATGCTTAAAGCCCGTTCAAT[A>G]TCTCCTTGGGCTAGAGCAAGGTCTGCATTAGCAATGGTAACCCGCACTTCTTCAGATGTT-3'
Protein context (NP_079029.3, residues 659-679): ANADLALAQG[Asp669=]IERALSILQN